The following is an entry in ClinVar:

NM_021076.4(NEFH):c.1528G>A (p.Ala510Thr)

Gene: NEFH (neurofilament heavy chain; plus strand). Cytogenetic location: 22q12.2.
Variant type: single nucleotide variant.
Coding change: c.1528G>A on transcript NM_021076.4 (MANE Select); coding-DNA position 1528, G replaced by A.
Protein change: p.Ala510Thr; replaces alanine 510 with threonine.
Molecular consequence: missense variant.
Genome position (GRCh38, 1-based): chr22:29,489,168, G>A. VCF-style: chr22-29489168-G-A. GRCh37 (hg19) VCF-style: chr22-29885157-G-A.
Other names: c.1528G>A (NM_021076.3); short protein forms A510T.
Identifiers: ClinVar variation 1954253 (VCV001954253.6), dbSNP rs772705184, ClinGen allele CA10174227.
Genomic context (GRCh38, chr22:29,489,168, plus strand): 5'-GAAGAAGAGGAGGCAGAAGGGGGAGAAGAAGAAACAAAGTCTCCCCCAGCAGAAGAGGCT[G>A]CATCCCCAGAGAAGGAAGCCAAGTCACCAGTAAAGGAAGAGGCAAAGTCACCGGCTGAGG-3'
Protein context (NP_066554.2, residues 500-520): ETKSPPAEEA[Ala510Thr]SPEKEAKSPV

ClinVar aggregate classification (germline): Uncertain significance. Review status: criteria provided, multiple submitters, no conflicts (2 of 4 stars). 2 submissions from 2 submitters: Uncertain significance (2). Last evaluated 2026-02-25.

Conditions:
NEFH-related disorder. Also called: NEFH-related condition.

Allele frequency attached by ClinVar (database versions not stated): ExAC 0.00001; TOPMed 0.00002; gnomAD 0.00003; gnomAD exomes 0.00003.
gnomAD v4.1: 41 of 1,613,992 alleles (0.0025%); highest among the groups gnomAD compares: Non-Finnish European, 0.0033%; no homozygotes.

Submissions (2):

PreventionGenetics, part of Exact Sciences
Classification: Uncertain significance for NEFH-related condition. Last evaluated: 2026-02-25. Review status: criteria provided, single submitter. Criteria: ACMG Guidelines, 2015. Collection method: clinical testing. Allele origin: germline.
Comment: The NEFH c.1528G>A variant is predicted to result in the amino acid substitution p.Ala510Thr. To our knowledge, this variant has not been reported in the literature. This variant is reported in 0.0062% of alleles in individuals of African descent in gnomAD. At this time, the clinical significance of this variant is uncertain due to the absence of conclusive functional and genetic evidence.

Labcorp Genetics (formerly Invitae), Labcorp
Classification: Uncertain significance. Last evaluated: 2022-09-09. Review status: criteria provided, single submitter. Criteria: Invitae Variant Classification Sherloc (09022015). Collection method: clinical testing. Allele origin: germline.
Comment: This variant is present in population databases (rs772705184, gnomAD 0.007%). In summary, the available evidence is currently insufficient to determine the role of this variant in disease. Therefore, it has been classified as a Variant of Uncertain Significance. Advanced modeling of protein sequence and biophysical properties (such as structural, functional, and spatial information, amino acid conservation, physicochemical variation, residue mobility, and thermodynamic stability) performed at Invitae indicates that this missense variant is not expected to disrupt NEFH protein function. This variant has not been reported in the literature in individuals affected with NEFH-related conditions. This sequence change replaces alanine, which is neutral and non-polar, with threonine, which is neutral and polar, at codon 510 of the NEFH protein (p.Ala510Thr).